The following is an entry in ClinVar:

NM_006231.4(POLE):c.2880T>G (p.Asn960Lys)

Gene: POLE (DNA polymerase epsilon, catalytic subunit; minus strand). Cytogenetic location: 12q24.33.
Variant type: single nucleotide variant.
Coding change: c.2880T>G on transcript NM_006231.4 (MANE Select); coding-DNA position 2880, T replaced by G.
Protein change: p.Asn960Lys; replaces asparagine 960 with lysine.
Molecular consequence: missense variant.
Genome position (GRCh38, 1-based): chr12:132,661,149, A>C on the plus strand (T>G on the coding strand, the complement: POLE is on the minus strand). VCF-style: chr12-132661149-A-C. GRCh37 (hg19) VCF-style: chr12-133237735-A-C.
Other names: short protein forms N960K.
Identifiers: ClinVar variation 473564 (VCV000473564.8), dbSNP rs1555225966, ClinGen allele CA387392932.

ClinVar aggregate classification (germline): Uncertain significance (1 of 4 stars; one submission).

Submission:

Labcorp Genetics (formerly Invitae), Labcorp
Classification: Uncertain significance. Last evaluated: 2017-03-15. Review status: criteria provided, single submitter. Criteria: Invitae Variant Classification Sherloc (09022015). Collection method: clinical testing. Allele origin: germline.
Comment: In summary, this variant is a novel missense change with uncertain impact on protein function. It has been classified as a Variant of Uncertain Significance. Algorithms developed to predict the effect of sequence changes on RNA splicing suggest that this variant may alter RNA splicing, but this prediction has not been confirmed by published transcriptional studies. Algorithms developed to predict the effect of missense changes on protein structure and function (SIFT, PolyPhen-2, Align-GVGD) all suggest that this variant is likely to be disruptive, but these predictions have not been confirmed by published functional studies. This variant is not present in population databases (ExAC no frequency) and has not been reported in the literature in individuals with a POLE-related disease. This sequence change replaces asparagine with lysine at codon 960 of the POLE protein (p.Asn960Lys). The asparagine residue is highly conserved and there is a moderate physicochemical difference between asparagine and lysine.